The following is an entry in ClinVar:

NM_000288.4(PEX7):c.968C>A (p.Ala323Asp)

Gene: PEX7 (peroxisomal biogenesis factor 7; plus strand). Cytogenetic location: 6q23.3.
Variant type: single nucleotide variant.
Coding change: c.968C>A on transcript NM_000288.4 (MANE Select); coding-DNA position 968, C replaced by A.
Protein change: p.Ala323Asp; replaces alanine 323 with aspartic acid.
Molecular consequence: missense variant.
Genome position (GRCh38, 1-based): chr6:136,913,522, C>A. VCF-style: chr6-136913522-C-A. GRCh37 (hg19) VCF-style: chr6-137234660-C-A.
Other names: short protein forms A323D.
Identifiers: ClinVar variation 1059934 (VCV001059934.7), dbSNP rs1184131500, ClinGen allele CA365767338.
Genomic context (GRCh38, chr6:136,913,522, plus strand): 5'-CTGACTGTTCTTGGGATGAAACAATAAAGATCTATGACCCTGCTTGTCTTACTATTCCTG[C>A]TTGAGATACACTACTTTGGTCAGAAACAGAGGATGTTGGCTGAAGAACTGCCTAACAGCA-3'
Protein context (NP_000279.1, residues 313-323): IYDPACLTIP[Ala323Asp]

ClinVar aggregate classification (germline): Uncertain significance. Review status: criteria provided, single submitter (1 of 4 stars). 2 submissions from 2 submitters: Uncertain significance (1). 1 of the submissions does not count toward it. Last evaluated 2021-08-27.

Conditions:
Rhizomelic chondrodysplasia punctata (RCDP). Identifiers: Orphanet 177, MedGen C0282529, MONDO:0015776. Disease mechanism: loss of function.
Peroxisome biogenesis disorder 9B. Also called: PEROXISOME BIOGENESIS DISORDER, PEX7-RELATED, ATYPICAL; PEX7-Related Refsum Disease; Refsum disease, adult, 2. Identifiers: Orphanet 773, MedGen C2749346, MONDO:0013945, OMIM 614879.

Allele frequency attached by ClinVar (database versions not stated): gnomAD exomes below 0.00001; TOPMed 0.00001.
gnomAD v4.1: 2 of 1,603,940 alleles (0.00012%); highest among the groups gnomAD compares: Non-Finnish European, 0.00017%; no homozygotes.

Submissions (2):

Labcorp Genetics (formerly Invitae), Labcorp
Classification: Uncertain significance for Peroxisome biogenesis disorder 9B. Last evaluated: 2021-08-27. Review status: criteria provided, single submitter. Criteria: Invitae Variant Classification Sherloc (09022015). Collection method: clinical testing. Allele origin: germline.
Comment: This sequence change replaces alanine with aspartic acid at codon 323 of the PEX7 protein (p.Ala323Asp). The alanine residue is weakly conserved and there is a moderate physicochemical difference between alanine and aspartic acid. This variant is not present in population databases (ExAC no frequency). This variant has not been reported in the literature in individuals affected with PEX7-related conditions. Algorithms developed to predict the effect of missense changes on protein structure and function (SIFT, PolyPhen-2, Align-GVGD) all suggest that this variant is likely to be tolerated. In summary, the available evidence is currently insufficient to determine the role of this variant in disease. Therefore, it has been classified as a Variant of Uncertain Significance.

Natera, Inc.
Classification: Uncertain significance for Rhizomelic Chondrodysplasia Punctata. Last evaluated: 2021-02-17. Review status: no assertion criteria provided. Collection method: clinical testing. Allele origin: germline. Not counted in ClinVar's aggregate classification.